The following is an entry in ClinVar:

ClinVar aggregate classification (germline): Uncertain significance (1 of 4 stars; one submission).

Conditions:
Combined oxidative phosphorylation defect type 27. Also called: Combined oxidative phosphorylation deficiency 27. Identifiers: Orphanet 477774, MedGen C5567608, MONDO:0014728, OMIM 616672.

Submission:

Labcorp Genetics (formerly Invitae), Labcorp
Classification: Uncertain significance for Combined oxidative phosphorylation defect type 27. Last evaluated: 2022-09-01. Review status: criteria provided, single submitter. Criteria: Invitae Variant Classification Sherloc (09022015). Collection method: clinical testing. Allele origin: germline.
Comment: In summary, the available evidence is currently insufficient to determine the role of this variant in disease. Therefore, it has been classified as a Variant of Uncertain Significance. Algorithms developed to predict the effect of missense changes on protein structure and function are either unavailable or do not agree on the potential impact of this missense change (SIFT: "Deleterious"; PolyPhen-2: "Probably Damaging"; Align-GVGD: "Class C15"). ClinVar contains an entry for this variant (Variation ID: 1405166). This variant has not been reported in the literature in individuals affected with CARS2-related conditions. This variant is not present in population databases (gnomAD no frequency). This sequence change replaces leucine, which is neutral and non-polar, with proline, which is neutral and non-polar, at codon 533 of the CARS2 protein (p.Leu533Pro).

NM_024537.4(CARS2):c.1598T>C (p.Leu533Pro)

Gene: CARS2 (cysteinyl-tRNA synthetase 2, mitochondrial; minus strand). Cytogenetic location: 13q34.
Variant type: single nucleotide variant.
Coding change: c.1598T>C on transcript NM_024537.4 (MANE Select); coding-DNA position 1598, T replaced by C.
Protein change: p.Leu533Pro; replaces leucine 533 with proline.
Molecular consequence: missense variant. On other transcripts: non-coding transcript variant (2).
Genome position (GRCh38, 1-based): chr13:110,642,340, A>G on the plus strand (T>C on the coding strand, the complement: CARS2 is on the minus strand). VCF-style: chr13-110642340-A-G. GRCh37 (hg19) VCF-style: chr13-111294687-A-G.
Other names: c.812T>C, p.Leu271Pro (NM_001352252.2); short protein forms L533P, L271P.
Identifiers: ClinVar variation 1405166 (VCV001405166.6), dbSNP rs2139666763, ClinGen allele CA388740040.